The following is an entry in ClinVar:

ClinVar aggregate classification (germline): Uncertain significance (1 of 4 stars; one submission).

Allele frequency attached by ClinVar (database versions not stated): TOPMed below 0.00001; gnomAD 0.00001.

Submission:

GeneDx
Classification: Uncertain significance. Last evaluated: 2021-12-21. Review status: criteria provided, single submitter. Criteria: GeneDx Variant Classification Process June 2021. Collection method: clinical testing. Allele origin: germline. Affected: yes.
Comment: Not observed at significant frequency in large population cohorts (gnomAD); In silico analysis supports that this missense variant does not alter protein structure/function; Has not been previously published as pathogenic or benign to our knowledge

NM_022552.5(DNMT3A):c.626G>A (p.Arg209His)

Gene: DNMT3A (DNA methyltransferase 3 alpha; minus strand). Cytogenetic location: 2p23.3.
Variant type: single nucleotide variant.
Coding change: c.626G>A on transcript NM_022552.5 (MANE Select); coding-DNA position 626, G replaced by A.
Protein change: p.Arg209His; replaces arginine 209 with histidine.
Molecular consequence: missense variant. On other transcripts: non-coding transcript variant (1).
Genome position (GRCh38, 1-based): chr2:25,274,954, C>T on the plus strand (G>A on the coding strand, the complement: DNMT3A is on the minus strand). VCF-style: chr2-25274954-C-T. GRCh37 (hg19) VCF-style: chr2-25497823-C-T.
Other names: c.626G>A, p.Arg209His (NM_175629.2); short protein forms R209H.
Identifiers: ClinVar variation 1695733 (VCV001695733.2), dbSNP rs1256370526, ClinGen allele CA346082874.